The following is an entry in ClinVar:

ClinVar aggregate classification (germline): Conflicting classifications of pathogenicity. Review status: criteria provided, conflicting classifications (1 of 4 stars). 13 submissions from 13 submitters: Uncertain significance (9); Likely benign (4). Last evaluated 2026-08-03.

Conditions:
Monocytopenia with susceptibility to infections. Also called: MONOCYTOPENIA AND MYCOBACTERIAL INFECTION SYNDROME; MONOCYTOPENIA WITH SUSCEPTIBILITY TO MYCOBACTERIAL, FUNGAL, AND PAPILLOMAVIRUS INFECTIONS AND MYELODYSPLASIA; COMBINED IMMUNODEFICIENCY WITH SUSCEPTIBILITY TO MYCOBACTERIAL, VIRAL, AND FUNGAL INFECTIONS; Dendritic cell, monocyte, B lymphocyte, and natural killer lymphocyte deficiency; IMMUNODEFICIENCY 21; GATA2 DEFICIENCY. Identifiers: Orphanet 228423, MedGen C3280030, MONDO:0013607, OMIM 614172.
Acute myeloid leukemia (AML). Also called: Leukemia, acute myeloid, somatic; Leukemia, acute myelogenous, somatic; Acute myeloid leukemia, adult; AML adult; Acute non-lymphocytic leukemia; Acute granulocytic leukemia. Identifiers: Orphanet 519, MedGen C0023467, MeSH D015470, MONDO:0018874, OMIM 601626, HP:0004808. Disease mechanism: Constitutively activated FLT3.
GATA2-related disorder. Also called: GATA2-related condition; GATA2-Related Disorders.
Deafness-lymphedema-leukemia syndrome. Also called: Lymphedema, primary, with myelodysplasia; Emberger syndrome. Identifiers: Orphanet 3226, MedGen C3279664, MONDO:0013540, OMIM 614038.
Inborn genetic diseases. Identifiers: MedGen C0950123, MeSH D030342.
Hereditary cancer-predisposing syndrome. Also called: Hereditary neoplastic syndrome; Tumor predisposition; Neoplastic Syndromes, Hereditary; Hereditary Cancer Syndrome. Identifiers: Orphanet 140162, MedGen C0027672, MeSH D009386, MONDO:0015356.

Allele frequency attached by ClinVar (database versions not stated): gnomAD exomes 0.00015 and 0.00008; ExAC 0.00010; TOPMed 0.00010; gnomAD 0.00011 and 0.00012; ESP Exome Variant Server 0.00015.
gnomAD v4.1: 232 of 1,602,796 alleles (0.014%); highest among the groups gnomAD compares: Non-Finnish European, 0.019%; no homozygotes.

Submissions (13):

PreventionGenetics, part of Exact Sciences
Classification: Uncertain significance for GATA2-related condition. Last evaluated: 2026-08-03. Review status: criteria provided, single submitter. Criteria: ACMG Guidelines, 2015. Collection method: clinical testing. Allele origin: germline.
Comment: The GATA2 c.30G>T variant is predicted to result in the amino acid substitution p.Trp10Cys. To our knowledge, this variant has not been reported in the literature. This variant is reported in 0.021% of alleles in individuals of European (Non-Finnish) descent in gnomAD. Although we suspect that this variant may be benign, at this time, the clinical significance of this variant is uncertain due to the absence of conclusive functional and genetic evidence.

Labcorp Genetics (formerly Invitae), Labcorp
Classification: Uncertain significance for Monocytopenia with susceptibility to infections; Deafness-lymphedema-leukemia syndrome. Last evaluated: 2025-11-11. Review status: criteria provided, single submitter. Criteria: Invitae Variant Classification Sherloc (09022015). Collection method: clinical testing. Allele origin: germline.
Comment: This sequence change replaces tryptophan, which is neutral and slightly polar, with cysteine, which is neutral and slightly polar, at codon 10 of the GATA2 protein (p.Trp10Cys). This variant is present in population databases (rs367785289, gnomAD 0.02%). This variant has not been reported in the literature in individuals affected with GATA2-related conditions. ClinVar contains an entry for this variant (Variation ID: 472455). Invitae Evidence Modeling of protein sequence and biophysical properties (such as structural, functional, and spatial information, amino acid conservation, physicochemical variation, residue mobility, and thermodynamic stability) has been performed for this missense variant. However, the output from this modeling did not meet the statistical confidence thresholds required to predict the impact of this variant on GATA2 protein function. In summary, the available evidence is currently insufficient to determine the role of this variant in disease. Therefore, it has been classified as a Variant of Uncertain Significance.

GeneDx
Classification: Uncertain significance. Last evaluated: 2025-07-31. Review status: criteria provided, single submitter. Criteria: GeneDx Variant Classification Process June 2021. Collection method: clinical testing. Allele origin: germline. Affected: yes.
Comment: In silico analysis supports that this missense variant has a deleterious effect on protein structure/function; Observed in a cohort of individuals with myeloid malignancies (PMID: 31911633); This variant is associated with the following publications: (PMID: 34619682, 32960960, 25359990, 31911633)

Center for Genomic Medicine, Rigshospitalet, Copenhagen University Hospital
Classification: Uncertain significance. Last evaluated: 2025-03-04. Review status: criteria provided, single submitter. Criteria: ACMG Guidelines, 2015. Collection method: clinical testing. Allele origin: germline.

Laboratory of Genetics, Children's Clinical University Hospital Latvia
Classification: Likely benign. Last evaluated: 2025-02-16. Review status: criteria provided, single submitter. Criteria: ACMG Guidelines, 2015. Collection method: clinical testing. Allele origin: germline. Affected: yes.

CeGaT Center for Human Genetics Tuebingen
Classification: Likely benign. Last evaluated: 2024-11-01. Review status: criteria provided, single submitter. Criteria: CeGaT Center For Human Genetics Tuebingen Variant Classification Criteria Version 2. Collection method: clinical testing. Allele origin: germline. Affected: yes. Observed: 1 variant allele.
Comment: GATA2: PP3, BS2

Blueprint Genetics
Classification: Likely benign. Last evaluated: 2024-09-12. Review status: criteria provided, single submitter. Criteria: ACMG Guidelines, 2015. Collection method: clinical testing. Allele origin: germline.

Ambry Genetics
Classification: Likely benign for Inborn genetic diseases. Last evaluated: 2024-08-20. Review status: criteria provided, single submitter. Criteria: Ambry Variant Classification Scheme 2023. Collection method: clinical testing. Allele origin: germline.

Baylor Genetics
Classification: Uncertain significance for Acute myeloid leukemia. Last evaluated: 2023-10-16. Review status: criteria provided, single submitter. Criteria: ACMG Guidelines, 2015. Collection method: clinical testing. Allele origin: unknown.

Institute for Clinical Genetics, University Hospital TU Dresden, University Hospital TU Dresden
Classification: Uncertain significance. Last evaluated: 2021-11-03. Review status: criteria provided, single submitter. Criteria: ACMG Guidelines, 2015. Collection method: clinical testing. Allele origin: germline.

Sema4
Classification: Uncertain significance for Hereditary cancer-predisposing syndrome. Last evaluated: 2021-04-16. Review status: criteria provided, single submitter. Criteria: Sema4 Curation Guidelines. Collection method: curation. Allele origin: germline.
Comment: The GATA2 c.30G>T (p.W10C) variant has not been reported in the literature to our knowledge. It was observed in 24/113774 chromosomes of the Non-Finnish European subpopulation in the Genome Aggregation Database (PMID: 32461654). The variant has been reported in ClinVar (Variation ID: 472455). In silico tools suggest the impact of the variant on protein function is deleterious, though these predictions have not been confirmed by functional studies. The evidence is insufficient to meet ACMG/AMP criteria for classifying the variant as benign or pathogenic. Thus, the clinical significance of this variant is currently uncertain.

Johns Hopkins Genomics, Johns Hopkins University
Classification: Uncertain significance for Monocytopenia with susceptibility to infections. Last evaluated: 2019-11-08. Review status: criteria provided, single submitter. Criteria: ACMG Guidelines, 2015. Collection method: clinical testing. Allele origin: germline.
Comment: This GATA2 variant (rs367785289) is rare (<0.1%) in a large population datasets (gnomAD: 25/255228 total alleles; 0.0098%; no homozygotes). A single submitter in ClinVar classifies the clinical significance of this variant as uncertain5. Three bioinformatic tools queried predict that this substitution would be probably damaging, and the tryptophan residue at this position is evolutionarily conserved across nearly all species assessed. The ClinVar entry for this variant suggests that it may alter exon 2 splicing, however two bioinformatics tools do not support this observation and this variant has not been functionally assessed to our knowledge. Due to lack of functional data, we consider the clinical significance of c.30G>T to be uncertain at this time.

Genetic Services Laboratory, University of Chicago
Classification: Uncertain significance. Last evaluated: 2018-11-26. Review status: criteria provided, single submitter. Criteria: ACMG Guidelines, 2015. Collection method: clinical testing. Allele origin: germline. Affected: no.

Literature cited by the submitters: PubMed 25359990 (cited by Center for Genomic Medicine, Rigshospitalet, Copenhagen University Hospital); PubMed 32960960 (cited by Center for Genomic Medicine, Rigshospitalet, Copenhagen University Hospital); PubMed 34619682 (cited by Center for Genomic Medicine, Rigshospitalet, Copenhagen University Hospital and Ambry Genetics); PubMed 31911633 (cited by Ambry Genetics).

NM_032638.5(GATA2):c.30G>T (p.Trp10Cys)

Gene: GATA2 (GATA binding protein 2; minus strand). Cytogenetic location: 3q21.3.
Variant type: single nucleotide variant.
Coding change: c.30G>T on transcript NM_032638.5 (MANE Select); coding-DNA position 30, G replaced by T.
Protein change: p.Trp10Cys; replaces tryptophan 10 with cysteine.
Molecular consequence: missense variant.
Genome position (GRCh38, 1-based): chr3:128,487,002, C>A on the plus strand (G>T on the coding strand, the complement: GATA2 is on the minus strand). VCF-style: chr3-128487002-C-A. GRCh37 (hg19) VCF-style: chr3-128205845-C-A.
Other names: c.30G>T, p.Trp10Cys (NM_001145661.2, NM_001145662.1); c.30G>T (NM_001145661.1); short protein forms W10C.
Identifiers: ClinVar variation 472455 (VCV000472455.46), dbSNP rs367785289, ClinGen allele CA2600122.